The following is an entry in ClinVar:

NM_014956.5(CEP164):c.2209C>T (p.Gln737Ter)

Gene: CEP164 (centrosomal protein 164; plus strand). Cytogenetic location: 11q23.3.
Variant type: single nucleotide variant.
Coding change: c.2209C>T on transcript NM_014956.5 (MANE Select); coding-DNA position 2209, C replaced by T.
Protein change: p.Gln737Ter; replaces glutamine 737 with a stop codon.
Molecular consequence: nonsense.
Genome position (GRCh38, 1-based): chr11:117,391,141, C>T. VCF-style: chr11-117391141-C-T. GRCh37 (hg19) VCF-style: chr11-117261857-C-T.
Other names: c.2218C>T, p.Gln740Ter (NM_001271933.2); short protein forms Q737*, Q740*.
Identifiers: ClinVar variation 971548 (VCV000971548.10), dbSNP rs562932233, ClinGen allele CA6294995.

ClinVar aggregate classification (germline): Pathogenic/Likely pathogenic. Review status: criteria provided, multiple submitters, no conflicts (2 of 4 stars). 3 submissions from 3 submitters: Pathogenic (1); Likely pathogenic (2). Last evaluated 2026-05-14.

Conditions:
CEP164-related disorder. Also called: CEP164-related condition.
Nephronophthisis 15 (NPHP15). Identifiers: Orphanet 3156, MedGen C3541853, MONDO:0013917, OMIM 614845.

Allele frequency attached by ClinVar (database versions not stated): gnomAD exomes 0.00001 and 0.00002; ExAC 0.00002; TOPMed 0.00002; gnomAD 0.00004; 1000 Genomes Project 30x 0.00016; 1000 Genomes Project 0.00020.
gnomAD v4.1: 16 of 1,613,798 alleles (0.00099%); highest among the groups gnomAD compares: African/African-American, 0.02%; no homozygotes.

Submissions (3):

PreventionGenetics, part of Exact Sciences
Classification: Likely pathogenic for CEP164-related condition. Last evaluated: 2026-05-14. Review status: criteria provided, single submitter. Criteria: ACMG Guidelines, 2015. Collection method: clinical testing. Allele origin: germline.
Comment: The CEP164 c.2209C>T variant is predicted to result in premature protein termination (p.Gln737*). To our knowledge, this variant has not been reported in individuals affected with CEP164-related disorders. This variant is reported in 0.020% of alleles in individuals of African descent in gnomAD. Nonsense variants in CEP164 are expected to be pathogenic. This variant is interpreted as likely pathogenic.

Labcorp Genetics (formerly Invitae), Labcorp
Classification: Pathogenic for Nephronophthisis 15. Last evaluated: 2024-11-11. Review status: criteria provided, single submitter. Criteria: Invitae Variant Classification Sherloc (09022015). Collection method: clinical testing. Allele origin: germline.
Comment: This sequence change creates a premature translational stop signal (p.Gln737*) in the CEP164 gene. It is expected to result in an absent or disrupted protein product. Loss-of-function variants in CEP164 are known to be pathogenic (PMID: 22863007, 28125082, 32367404, 34132027, 34499853). This variant is present in population databases (rs562932233, gnomAD 0.02%). This variant has not been reported in the literature in individuals affected with CEP164-related conditions. ClinVar contains an entry for this variant (Variation ID: 971548). For these reasons, this variant has been classified as Pathogenic.

Fulgent Genetics
Classification: Likely pathogenic for Nephronophthisis 15. Last evaluated: 2021-12-23. Review status: criteria provided, single submitter. Criteria: ACMG Guidelines, 2015. Collection method: clinical testing. Allele origin: unknown.

Literature cited by the submitters: PubMed 22863007 (cited by Labcorp Genetics (formerly Invitae), Labcorp); PubMed 28125082 (cited by Labcorp Genetics (formerly Invitae), Labcorp); PubMed 32367404 (cited by Labcorp Genetics (formerly Invitae), Labcorp); PubMed 34132027 (cited by Labcorp Genetics (formerly Invitae), Labcorp); PubMed 34499853 (cited by Labcorp Genetics (formerly Invitae), Labcorp).